The following is an entry in ClinVar:

ClinVar aggregate classification (germline): Uncertain significance (1 of 4 stars; one submission).

Conditions:
Multiple gastrointestinal atresias. Also called: Multiple intestinal atresia; FAMILIAL INTESTINAL POLYATRESIA SYNDROME. Identifiers: Orphanet 2300, MedGen C0220744, MONDO:0009465.

gnomAD v4.1: 12 of 1,614,168 alleles (0.00074%); highest among the groups gnomAD compares: Non-Finnish European, 0.00085%; no homozygotes.

Submission:

Labcorp Genetics (formerly Invitae), Labcorp
Classification: Uncertain significance for Multiple gastrointestinal atresias. Last evaluated: 2025-12-02. Review status: criteria provided, single submitter. Criteria: Invitae Variant Classification Sherloc (09022015). Collection method: clinical testing. Allele origin: germline.
Comment: This sequence change replaces glutamic acid, which is acidic and polar, with lysine, which is basic and polar, at codon 343 of the TTC7A protein (p.Glu343Lys). This variant is present in population databases (rs746446061, gnomAD 0.004%). This variant has not been reported in the literature in individuals affected with TTC7A-related conditions. ClinVar contains an entry for this variant (Variation ID: 1521414). Invitae Evidence Modeling of protein sequence and biophysical properties (such as structural, functional, and spatial information, amino acid conservation, physicochemical variation, residue mobility, and thermodynamic stability) indicates that this missense variant is expected to disrupt TTC7A protein function with a positive predictive value of 80%. In summary, the available evidence is currently insufficient to determine the role of this variant in disease. Therefore, it has been classified as a Variant of Uncertain Significance.

NM_020458.4(TTC7A):c.1027G>A (p.Glu343Lys)

Gene: TTC7A (tetratricopeptide repeat domain 7A; plus strand). Cytogenetic location: 2p21.
Variant type: single nucleotide variant.
Coding change: c.1027G>A on transcript NM_020458.4 (MANE Select); coding-DNA position 1027, G replaced by A.
Protein change: p.Glu343Lys; replaces glutamic acid 343 with lysine.
Molecular consequence: missense variant. On other transcripts: 5 prime UTR variant (1).
Genome position (GRCh38, 1-based): chr2:46,995,161, G>A. VCF-style: chr2-46995161-G-A. GRCh37 (hg19) VCF-style: chr2-47222300-G-A.
Other names: c.1027G>A, p.Glu343Lys (NM_001288951.2); c.925G>A, p.Glu309Lys (NM_001288953.2); c.-36G>A (NM_001288955.2); short protein forms E343K, E309K.
Identifiers: ClinVar variation 1521414 (VCV001521414.6), dbSNP rs746446061, ClinGen allele CA1647457.